The following is an entry in ClinVar:

ClinVar aggregate classification (germline): Benign/Likely benign. Review status: criteria provided, multiple submitters, no conflicts (2 of 4 stars). 3 submissions from 3 submitters: Benign (1); Likely benign (2). Last evaluated 2026-01-26.

Conditions:
Pheochromocytoma/paraganglioma syndrome 5. Also called: Paragangliomas 5; SDHA-Related Hereditary Paraganglioma-Pheochromocytoma Syndrome. Identifiers: Orphanet 29072, MedGen C3279992, MONDO:0013602, OMIM 614165.
Mitochondrial complex II deficiency, nuclear type 1. Also called: SUCCINATE CoQ REDUCTASE DEFICIENCY. Identifiers: Orphanet 3208, MedGen C5700310, MONDO:0100294, OMIM 252011.
Hereditary cancer-predisposing syndrome. Also called: Tumor predisposition; Hereditary neoplastic syndrome; Neoplastic Syndromes, Hereditary; Hereditary Cancer Syndrome. Identifiers: Orphanet 140162, MedGen C0027672, MeSH D009386, MONDO:0015356.

gnomAD v4.1: 1 of 1,461,142 alleles (0.000068%); highest among the groups gnomAD compares: East Asian, 0.0028%; no homozygotes.

Submissions (3):

Labcorp Genetics (formerly Invitae), Labcorp
Classification: Likely benign for Pheochromocytoma/paraganglioma syndrome 5; Mitochondrial complex II deficiency, nuclear type 1. Last evaluated: 2026-01-26. Review status: criteria provided, single submitter. Criteria: Invitae Variant Classification Sherloc (09022015). Collection method: clinical testing. Allele origin: germline.

Myriad Genetics, Inc.
Classification: Benign for Pheochromocytoma/paraganglioma syndrome 5. Last evaluated: 2025-02-27. Review status: criteria provided, single submitter. Criteria: Myriad Autosomal Dominant, Autosomal Recessive and X-Linked Classification Criteria (2023). Collection method: clinical testing. Allele origin: unknown.
Comment: This variant is considered benign. This variant is a silent/synonymous amino acid change and it is not expected to impact splicing.

Ambry Genetics
Classification: Likely benign for Hereditary cancer-predisposing syndrome. Last evaluated: 2018-02-20. Review status: criteria provided, single submitter. Criteria: Ambry Variant Classification Scheme 2023. Collection method: clinical testing. Allele origin: germline.

NM_004168.4(SDHA):c.6G>C (p.Ser2=)

Gene: SDHA (succinate dehydrogenase complex flavoprotein subunit A; plus strand). Cytogenetic location: 5p15.33.
Variant type: single nucleotide variant.
Coding change: c.6G>C on transcript NM_004168.4 (MANE Select); coding-DNA position 6, G replaced by C.
Protein change: p.Ser2=; no amino-acid change (serine 2 retained).
Molecular consequence: synonymous variant.
Genome position (GRCh38, 1-based): chr5:218,361, G>C. VCF-style: chr5-218361-G-C. GRCh37 (hg19) VCF-style: chr5-218476-G-C.
Other names: c.6G>C, p.Ser2= (NM_001294332.2, NM_001330758.2).
Identifiers: ClinVar variation 826764 (VCV000826764.14), dbSNP rs751383247, ClinGen allele CA442689524.